The following is an entry in ClinVar:

NM_000346.4(SOX9):c.540G>A (p.Lys180=)

Gene: SOX9 (SRY-box transcription factor 9; plus strand). Cytogenetic location: 17q24.3.
Variant type: single nucleotide variant.
Coding change: c.540G>A on transcript NM_000346.4 (MANE Select); coding-DNA position 540, G replaced by A.
Protein change: p.Lys180=; no amino-acid change (lysine 180 retained).
Molecular consequence: synonymous variant.
Genome position (GRCh38, 1-based): chr17:72,122,827, G>A. VCF-style: chr17-72122827-G-A. GRCh37 (hg19) VCF-style: chr17-70118968-G-A.
Identifiers: ClinVar variation 789342 (VCV000789342.27), dbSNP rs758102039, ClinGen allele CA8738939.
Genomic context (GRCh38, chr17:72,122,827, plus strand): 5'-GCTGCGCGTGCAGCACAAGAAGGACCACCCGGATTACAAGTACCAGCCGCGGCGGAGGAA[G>A]TCGGTGAAGAACGGGCAGGCGGAGGCAGAGGAGGCCACGGAGCAGACGCACATCTCCCCC-3'
Protein context (NP_000337.1, residues 170-190): PDYKYQPRRR[Lys180=]SVKNGQAEAE

ClinVar aggregate classification (germline): Likely benign. Review status: criteria provided, multiple submitters, no conflicts (2 of 4 stars). 2 submissions from 2 submitters: Likely benign (2). Last evaluated 2023-03-01.

Allele frequency attached by ClinVar (database versions not stated): gnomAD exomes below 0.00001 and 0.00001; TOPMed below 0.00001; ExAC 0.00002.

Submissions (2):

CeGaT Center for Human Genetics Tuebingen
Classification: Likely benign. Last evaluated: 2023-03-01. Review status: criteria provided, single submitter. Criteria: CeGaT Center For Human Genetics Tuebingen Variant Classification Criteria Version 2. Collection method: clinical testing. Allele origin: germline. Affected: yes. Observed: 1 variant allele.
Comment: SOX9: BP4, BP7

Labcorp Genetics (formerly Invitae), Labcorp
Classification: Likely benign. Last evaluated: 2017-06-23. Review status: criteria provided, single submitter. Criteria: Invitae Variant Classification Sherloc (09022015). Collection method: clinical testing. Allele origin: germline.